The following is an entry in ClinVar:

ClinVar aggregate classification (germline): Uncertain significance (1 of 4 stars; one submission).

Allele frequency attached by ClinVar (database versions not stated): gnomAD exomes below 0.00001; TOPMed below 0.00001; gnomAD 0.00001.
gnomAD v4.1: 2 of 1,614,018 alleles (0.00012%); highest among the groups gnomAD compares: Admixed American, 0.0017%; no homozygotes.

Submission:

Labcorp Genetics (formerly Invitae), Labcorp
Classification: Uncertain significance. Last evaluated: 2021-10-29. Review status: criteria provided, single submitter. Criteria: Invitae Variant Classification Sherloc (09022015). Collection method: clinical testing. Allele origin: germline.
Comment: In summary, the available evidence is currently insufficient to determine the role of this variant in disease. Therefore, it has been classified as a Variant of Uncertain Significance. Algorithms developed to predict the effect of missense changes on protein structure and function (SIFT, PolyPhen-2, Align-GVGD) all suggest that this variant is likely to be tolerated. This variant has not been reported in the literature in individuals affected with TBX19-related conditions. This variant is not present in population databases (gnomAD no frequency). This sequence change replaces leucine, which is neutral and non-polar, with valine, which is neutral and non-polar, at codon 328 of the TBX19 protein (p.Leu328Val).

NM_005149.3(TBX19):c.982T>G (p.Leu328Val)

Gene: TBX19 (T-box transcription factor 19; plus strand). Cytogenetic location: 1q24.2.
Variant type: single nucleotide variant.
Coding change: c.982T>G on transcript NM_005149.3 (MANE Select); coding-DNA position 982, T replaced by G.
Protein change: p.Leu328Val; replaces leucine 328 with valine.
Molecular consequence: missense variant.
Genome position (GRCh38, 1-based): chr1:168,308,807, T>G. VCF-style: chr1-168308807-T-G. GRCh37 (hg19) VCF-style: chr1-168278045-T-G.
Other names: short protein forms L328V.
Identifiers: ClinVar variation 1440680 (VCV001440680.6), dbSNP rs1649463151, ClinGen allele CA343195800.